The following is an entry in ClinVar:

NM_020442.6(VARS2):c.2728G>A (p.Val910Met)

Gene: VARS2 (valyl-tRNA synthetase 2, mitochondrial; plus strand). Cytogenetic location: 6p21.33.
Variant type: single nucleotide variant.
Coding change: c.2728G>A on transcript NM_020442.6 (MANE Select); coding-DNA position 2728, G replaced by A.
Protein change: p.Val910Met; replaces valine 910 with methionine.
Molecular consequence: missense variant.
Genome position (GRCh38, 1-based): chr6:30,925,328, G>A. VCF-style: chr6-30925328-G-A. GRCh37 (hg19) VCF-style: chr6-30893105-G-A.
Other names: p.Val940Met; c.2308G>A, p.Val770Met (NM_001167733.3); c.2818G>A, p.Val940Met (NM_001167734.2); short protein forms V910M, V940M, V770M.
Identifiers: ClinVar variation 2385213 (VCV002385213.4), dbSNP rs112853298, ClinGen allele CA3706365.
Genomic context (GRCh38, chr6:30,925,328, plus strand): 5'-TGCCAGGAGCACTGGCGCCAGCCAGAGCTGGAGCGGCGCTTCTCCCGGGTCCAAGAGGTC[G>A]TGCAGGTGCTAAGGGCTCTCCGAGCCACGTACCAGCTCACCAAAGCCCGGCCCCGAGGTG-3'
Protein context (NP_065175.4, residues 900-920): ERRFSRVQEV[Val910Met]QVLRALRATY

ClinVar aggregate classification (germline): Uncertain significance. Review status: criteria provided, multiple submitters, no conflicts (2 of 4 stars). 3 submissions from 3 submitters: Uncertain significance (3). Last evaluated 2024-10-15.

Conditions:
Inborn genetic diseases. Identifiers: MedGen C0950123, MeSH D030342.

Allele frequency attached by ClinVar (database versions not stated): ExAC 0.00003; TOPMed 0.00007; ESP Exome Variant Server 0.00012; 1000 Genomes Project 0.00020; gnomAD 0.00007; 1000 Genomes Project 30x 0.00016.
gnomAD v4.1: 60 of 1,612,656 alleles (0.0037%); highest among the groups gnomAD compares: Middle Eastern, 0.066%; no homozygotes.

Submissions (3):

Mayo Clinic Laboratories, Mayo Clinic
Classification: Uncertain significance. Last evaluated: 2024-10-15. Review status: criteria provided, single submitter. Criteria: ACMG Guidelines, 2015. Collection method: clinical testing. Allele origin: germline. Observed: 2 variant alleles.
Comment: BP4, PM2_supporting

GeneDx
Classification: Uncertain significance. Last evaluated: 2023-10-03. Review status: criteria provided, single submitter. Criteria: GeneDx Variant Classification Process June 2021. Collection method: clinical testing. Allele origin: germline. Affected: yes.
Comment: In silico analysis supports that this missense variant does not alter protein structure/function; Has not been previously published as pathogenic or benign to our knowledge

Ambry Genetics
Classification: Uncertain significance for Inborn genetic diseases. Last evaluated: 2021-07-13. Review status: criteria provided, single submitter. Criteria: Ambry Variant Classification Scheme 2023. Collection method: clinical testing. Allele origin: germline.